The following is an entry in ClinVar:

ClinVar aggregate classification (germline): Benign/Likely benign. Review status: criteria provided, multiple submitters, no conflicts (2 of 4 stars). 2 submissions from 2 submitters: Benign (1); Likely benign (1). Last evaluated 2026-01-19.

Conditions:
Duchenne muscular dystrophy (DMD). Also called: MUSCULAR DYSTROPHY, PSEUDOHYPERTROPHIC PROGRESSIVE, DUCHENNE TYPE; Duchenne Muscular Dystrophy (DMD). Identifiers: Orphanet 98896, MedGen C0013264, MONDO:0010679, OMIM 310200.

Allele frequency attached by ClinVar (database versions not stated): gnomAD exomes 0.00001 and 0.00005; ExAC 0.00005; gnomAD 0.00006; TOPMed 0.00006; ESP Exome Variant Server 0.00019; 1000 Genomes Project 30x 0.00021; 1000 Genomes Project 0.00026.
gnomAD v4.1: 21 of 1,207,780 alleles (0.0017%); highest among the groups gnomAD compares: African/African-American, 0.033%; no homozygotes.

Submissions (2):

Labcorp Genetics (formerly Invitae), Labcorp
Classification: Benign for Duchenne muscular dystrophy. Last evaluated: 2026-01-19. Review status: criteria provided, single submitter. Criteria: Invitae Variant Classification Sherloc (09022015). Collection method: clinical testing. Allele origin: germline.

GeneDx
Classification: Likely benign. Last evaluated: 2017-04-06. Review status: criteria provided, single submitter. Criteria: GeneDx Variant Classification (06012015). Collection method: clinical testing. Allele origin: germline. Affected: yes.
Comment: This variant is considered likely benign or benign based on one or more of the following criteria: it is a conservative change, it occurs at a poorly conserved position in the protein, it is predicted to be benign by multiple in silico algorithms, and/or has population frequency not consistent with disease.

NM_004006.3(DMD):c.6912+12A>T

Gene: DMD (dystrophin; minus strand). Cytogenetic location: Xp21.1.
Variant type: single nucleotide variant.
Coding change: c.6912+12A>T on transcript NM_004006.3 (MANE Select); 12 bases into the intron after coding-DNA position 6912, A replaced by T.
Molecular consequence: intron variant.
Genome position (GRCh38, 1-based): chrX:31,929,584, T>A on the plus strand (A>T on the coding strand, the complement: DMD is on the minus strand). VCF-style: chrX-31929584-T-A. GRCh37 (hg19) VCF-style: chrX-31947701-T-A.
Other names: c.6888+12A>T (NM_000109.4); c.2889+12A>T (NM_004011.4); c.2880+12A>T (NM_004012.4); c.-469+12A>T (NM_004023.3, NM_004020.4, NM_004022.3 and 2 more transcripts); c.6900+12A>T (NM_004009.3); c.6543+12A>T (NM_004010.3).
Identifiers: ClinVar variation 508740 (VCV000508740.9), dbSNP rs370001798, ClinGen allele CA10378382.
Genomic context (GRCh38, chrX:31,929,584, plus strand): 5'-CCAGGAAACAAAATACATACAAATACTTGCAACATTTAACACATGTGACGGAAGAGATGG[T>A]TAATGTCTAACCTTTATCCACTGGAGATTTGTCTGCTTGAGCTTATTTTCAAGTTTATCT-3'